The following is an entry in ClinVar:

NM_001792.5(CDH2):c.1804G>A (p.Ala602Thr)

Gene: CDH2 (cadherin 2; minus strand). Cytogenetic location: 18q12.1.
Variant type: single nucleotide variant.
Coding change: c.1804G>A on transcript NM_001792.5 (MANE Select); coding-DNA position 1804, G replaced by A.
Protein change: p.Ala602Thr; replaces alanine 602 with threonine.
Molecular consequence: missense variant.
Genome position (GRCh38, 1-based): chr18:27,985,699, C>T on the plus strand (G>A on the coding strand, the complement: CDH2 is on the minus strand). VCF-style: chr18-27985699-C-T. GRCh37 (hg19) VCF-style: chr18-25565663-C-T.
Other names: c.1711G>A, p.Ala571Thr (NM_001308176.2); short protein forms A571T, A602T.
Identifiers: ClinVar variation 3381624 (VCV003381624.1).
Genomic context (GRCh38, chr18:27,985,699, plus strand): 5'-TAATTGAATTGGGGTCTGGAGTTTCGCAAGTCTCTGCCTCTTGAGGTAACACTTGAGGGG[C>T]ATTGTCATTAATATCAAGTAAATAGATCTGCAGCGTTCCTGTTCCACTCATAGGAGGAAT-3'
Protein context (NP_001783.2, residues 592-612): QIYLLDINDN[Ala602Thr]PQVLPQEAET

ClinVar aggregate classification (germline): Uncertain significance (1 of 4 stars; one submission).

gnomAD v4.1: 1 of 1,613,804 alleles (0.000062%); highest among the groups gnomAD compares: African/African-American, 0.0013%; no homozygotes.

Submission:

GeneDx
Classification: Uncertain significance. Last evaluated: 2024-05-20. Review status: criteria provided, single submitter. Criteria: GeneDx Variant Classification Process June 2021. Collection method: clinical testing. Allele origin: germline. Affected: yes.
Comment: Not observed at significant frequency in large population cohorts (gnomAD); In silico analysis supports that this missense variant has a deleterious effect on protein structure/function; Has not been previously published as pathogenic or benign to our knowledge